The following is an entry in ClinVar:

ClinVar aggregate classification (germline): Uncertain significance (1 of 4 stars; one submission).

Allele frequency attached by ClinVar (database versions not stated): gnomAD exomes below 0.00001; TOPMed 0.00001.
gnomAD v4.1: 2 of 1,614,108 alleles (0.00012%); highest among the groups gnomAD compares: East Asian, 0.0022%; no homozygotes.

Submission:

Labcorp Genetics (formerly Invitae), Labcorp
Classification: Uncertain significance. Last evaluated: 2022-01-11. Review status: criteria provided, single submitter. Criteria: Invitae Variant Classification Sherloc (09022015). Collection method: clinical testing. Allele origin: germline.
Comment: This sequence change replaces histidine, which is basic and polar, with arginine, which is basic and polar, at codon 203 of the SCO2 protein (p.His203Arg). This variant is present in population databases (no rsID available, gnomAD 0.01%). This variant has not been reported in the literature in individuals affected with SCO2-related conditions. Algorithms developed to predict the effect of missense changes on protein structure and function output the following: SIFT: "Tolerated"; PolyPhen-2: "Benign"; Align-GVGD: "Class C0". The arginine amino acid residue is found in multiple mammalian species, which suggests that this missense change does not adversely affect protein function. In summary, the available evidence is currently insufficient to determine the role of this variant in disease. Therefore, it has been classified as a Variant of Uncertain Significance.

NM_005138.3(SCO2):c.608A>G (p.His203Arg)

Genes: NCAPH2 (non-SMC condensin II complex subunit H2; plus strand), SCO2 (synthesis of cytochrome C oxidase 2; minus strand). Cytogenetic location: 22q13.33.
Variant type: single nucleotide variant.
Coding change: c.608A>G on transcript NM_005138.3 (MANE Select); coding-DNA position 608, A replaced by G.
Protein change: p.His203Arg; replaces histidine 203 with arginine.
Molecular consequence: missense variant. On other transcripts: 3 prime UTR variant (2).
Genome position (GRCh38, 1-based): chr22:50,523,804, T>C on the plus strand (A>G on the coding strand, the complement: SCO2 is on the minus strand). VCF-style: chr22-50523804-T-C. GRCh37 (hg19) VCF-style: chr22-50962233-T-C.
Other names: c.*429T>C (NM_001185011.2, NM_152299.4); c.608A>G, p.His203Arg (NM_001169109.2, NM_001169110.1, NM_001169111.2); short protein forms H203R.
Identifiers: ClinVar variation 2060470 (VCV002060470.1), dbSNP rs1188657744, ClinGen allele CA412191900.